The following is an entry in ClinVar:

NM_138459.5(NUS1):c.302T>C (p.Met101Thr)

Gene: NUS1 (NUS1 dehydrodolichyl diphosphate synthase subunit; plus strand). Cytogenetic location: 6q22.1.
Variant type: single nucleotide variant.
Coding change: c.302T>C on transcript NM_138459.5 (MANE Select); coding-DNA position 302, T replaced by C.
Protein change: p.Met101Thr; replaces methionine 101 with threonine.
Molecular consequence: missense variant.
Genome position (GRCh38, 1-based): chr6:117,675,972, T>C. VCF-style: chr6-117675972-T-C. GRCh37 (hg19) VCF-style: chr6-117997135-T-C.
Other names: short protein forms M101T.
Identifiers: ClinVar variation 2980468 (VCV002980468.3), dbSNP rs1335361386, ClinGen allele CA365536318.

ClinVar aggregate classification (germline): Uncertain significance (1 of 4 stars; one submission).

Conditions:
Congenital disorder of glycosylation, type Iaa. Also called: Congenital disorder of glycosylation, type 1aa. Identifiers: MedGen C4310727, MONDO:0014904, OMIM 617082.

Allele frequency attached by ClinVar (database versions not stated): TOPMed below 0.00001.

Submission:

Labcorp Genetics (formerly Invitae), Labcorp
Classification: Uncertain significance for Congenital disorder of glycosylation, type Iaa. Last evaluated: 2023-07-03. Review status: criteria provided, single submitter. Criteria: Invitae Variant Classification Sherloc (09022015). Collection method: clinical testing. Allele origin: germline.
Comment: This sequence change replaces methionine, which is neutral and non-polar, with threonine, which is neutral and polar, at codon 101 of the NUS1 protein (p.Met101Thr). This variant is not present in population databases (gnomAD no frequency). This variant has not been reported in the literature in individuals affected with NUS1-related conditions. An algorithm developed to predict the effect of missense changes on protein structure and function (PolyPhen-2) suggests that this variant is likely to be tolerated. In summary, the available evidence is currently insufficient to determine the role of this variant in disease. Therefore, it has been classified as a Variant of Uncertain Significance.